The following is an entry in ClinVar:

NM_003060.4(SLC22A5):c.430C>T (p.Leu144Phe)

Gene: SLC22A5 (solute carrier family 22 member 5; plus strand). Cytogenetic location: 5q31.1.
Variant type: single nucleotide variant.
Coding change: c.430C>T on transcript NM_003060.4 (MANE Select); coding-DNA position 430, C replaced by T.
Protein change: p.Leu144Phe; replaces leucine 144 with phenylalanine.
Molecular consequence: missense variant.
Genome position (GRCh38, 1-based): chr5:132,378,414, C>T. VCF-style: chr5-132378414-C-T. GRCh37 (hg19) VCF-style: chr5-131714106-C-T.
Other names: NM_001308122.1(SLC22A5):c.502C>T(p.Leu168Phe); NM_003060.3(SLC22A5):c.430C>T(p.Leu144Phe); c.502C>T, p.Leu168Phe (NM_001308122.2); short protein forms L168F.
Identifiers: ClinVar variation 25373 (VCV000025373.37), dbSNP rs10040427, ClinGen allele CA180438.
Genomic context (GRCh38, chr5:132,378,414, plus strand): 5'-ACACCCCCTTTGCTCATCTTGCAGTGGAACCTGGTGTGTGAGGACGACTGGAAGGCCCCA[C>T]TCACAATCTCCTTGTTCTTCGTGGGTGTGCTGTTGGGCTCCTTCATTTCAGGGCAGCTGT-3'
Protein context (NP_003051.1, residues 134-154): LVCEDDWKAP[Leu144Phe]TISLFFVGVL

ClinVar aggregate classification (germline): Benign/Likely benign. Review status: criteria provided, multiple submitters, no conflicts (2 of 4 stars). 12 submissions from 12 submitters: Benign (7); Likely benign (3). 2 of the submissions do not count toward it. Last evaluated 2026-02-03.

Conditions:
Renal carnitine transport defect (CDSP). Also called: CARNITINE DEFICIENCY, SYSTEMIC, DUE TO DEFECT IN RENAL REABSORPTION OF CARNITINE; CARNITINE TRANSPORTER, PLASMA-MEMBRANE, DEFICIENCY OF; CARNITINE UPTAKE DEFECT; Primary carnitine deficiency; Carnitine transporter deficiency; Systemic primary carnitine deficiency disease. Identifiers: Orphanet 158, MedGen C0342788, MONDO:0008919, OMIM 212140.

Allele frequency attached by ClinVar (database versions not stated): gnomAD exomes 0.00211 and 0.00579; gnomAD 0.02190 and 0.02340; TOPMed 0.02455; ESP Exome Variant Server 0.02806; 1000 Genomes Project 0.02616; 1000 Genomes Project 30x 0.02717; ExAC 0.00738.
gnomAD v4.1: 6,549 of 1,614,242 alleles (0.41%); highest among the groups gnomAD compares: African/African-American, 7.6%; 231 homozygotes.

Submissions (12):

Labcorp Genetics (formerly Invitae), Labcorp
Classification: Benign for Renal carnitine transport defect. Last evaluated: 2026-02-03. Review status: criteria provided, single submitter. Criteria: Invitae Variant Classification Sherloc (09022015). Collection method: clinical testing. Allele origin: germline.

ARUP Laboratories, Molecular Genetics and Genomics, ARUP Laboratories
Classification: Benign for Renal carnitine transport defect. Last evaluated: 2024-05-29. Review status: criteria provided, single submitter. Criteria: ARUP Molecular Germline Variant Investigation Process 2024. Collection method: clinical testing. Allele origin: germline.

Mayo Clinic Laboratories, Mayo Clinic
Classification: Benign. Last evaluated: 2023-01-23. Review status: criteria provided, single submitter. Criteria: ACMG Guidelines, 2015. Collection method: clinical testing. Allele origin: germline. Observed: 49 variant alleles.

Giacomini Lab, University of California, San Francisco
Classification: Likely benign for Renal carnitine transport defect. Last evaluated: 2022-10-03. Review status: criteria provided, single submitter. Criteria: ACMG Guidelines, 2015. Collection method: research, in vitro. Allele origin: germline, not applicable.

Genome-Nilou Lab
Classification: Benign for Renal carnitine transport defect. Last evaluated: 2021-07-15. Review status: criteria provided, single submitter. Criteria: ACMG Guidelines, 2015. Collection method: clinical testing. Allele origin: germline. Affected: no.

SIB Swiss Institute of Bioinformatics
Classification: Benign. Last evaluated: 2018-05-31. Review status: criteria provided, single submitter. Criteria: ACMG Guidelines, 2015. Collection method: curation. Allele origin: unknown.
Comment: This variant is interpreted as a Benign - Stand Alone. The following ACMG Tag(s) were applied: BA1 => Allele frequency is >5% in Exome Sequencing Project, 1000 Genomes Project, or Exome Aggregation Consortium. BS3 => Well-established in vitro or in vivo functional studies show no damaging effect on protein function or splicing (PMID:16931768).

Illumina Laboratory Services, Illumina
Classification: Likely benign for Renal carnitine transport defect. Last evaluated: 2017-04-27. Review status: criteria provided, single submitter. Criteria: ICSL Variant Classification Criteria 13 December 2019. Collection method: clinical testing. Allele origin: germline.
Comment: This variant was observed as part of a predisposition screen in an ostensibly healthy population. A literature search was performed for the gene, cDNA change, and amino acid change (where applicable). No publications were found based on this search. Allele frequency data from public databases allowed determination this variant is unlikely to cause disease. Therefore, this variant is classified as likely benign.

GeneDx
Classification: Benign. Last evaluated: 2015-03-03. Review status: criteria provided, single submitter. Criteria: GeneDx Variant Classification Process June 2021. Collection method: clinical testing. Allele origin: germline. Affected: yes.

Eurofins Ntd Llc (ga)
Classification: Benign. Last evaluated: 2014-01-21. Review status: criteria provided, single submitter. Criteria: EGL Classification Definitions 2015. Collection method: clinical testing. Allele origin: germline. Observed: 1 variant allele, 1 heterozygote.

Breakthrough Genomics
Classification: Likely benign. Review status: criteria provided, single submitter. Criteria: ACMG Guidelines, 2015. Collection method: not provided. Allele origin: germline. Inheritance: Autosomal recessive inheritance. Affected: yes.

Natera, Inc.
Classification: Benign for Primary systemic carnitine deficiency. Last evaluated: 2020-09-16. Review status: no assertion criteria provided. Collection method: clinical testing. Allele origin: germline. Not counted in ClinVar's aggregate classification.

Counsyl
Classification: Benign for Renal carnitine transport defect. Last evaluated: 2014-04-09. Review status: no assertion criteria provided. Collection method: literature only. Allele origin: unknown. Inheritance: Autosomal recessive inheritance. Not counted in ClinVar's aggregate classification.

Literature cited by the submitters: PubMed 16931768 (cited by SIB Swiss Institute of Bioinformatics and Counsyl); PubMed 18337137 (cited by Counsyl).